The following is an entry in ClinVar:

ClinVar aggregate classification (germline): Pathogenic/Likely pathogenic. Review status: criteria provided, multiple submitters, no conflicts (2 of 4 stars). 4 submissions from 4 submitters: Pathogenic (2); Likely pathogenic (2). Last evaluated 2025-10-27.

Conditions:
Infantile neuroaxonal dystrophy (NBIA2A). Also called: Infantile neuroaxonal dystrophy 1; NEURODEGENERATION WITH BRAIN IRON ACCUMULATION 2A; SEITELBERGER DISEASE. Identifiers: Orphanet 35069, MedGen C0270724, MONDO:0024457, OMIM 256600.
Autosomal recessive Parkinson disease 14. Also called: PARKINSON DISEASE 14; DYSTONIA-PARKINSONISM, ADULT-ONSET. Identifiers: Orphanet 199351, MedGen C2751842, MONDO:0013060, OMIM 612953.
Neurodegeneration with brain iron accumulation (NBIA). Identifiers: Orphanet 385, MedGen C2931845, MONDO:0018307.

Allele frequency attached by ClinVar (database versions not stated): TOPMed below 0.00001; gnomAD exomes below 0.00001; gnomAD 0.00001.
gnomAD v4.1: 6 of 1,551,720 alleles (0.00039%); highest among the groups gnomAD compares: Admixed American, 0.0039%; no homozygotes.

Submissions (4):

Dasa
Classification: Likely pathogenic. Last evaluated: 2025-10-27. Review status: criteria provided, single submitter. Criteria: DASA Assertion Criteria. Collection method: clinical testing. Allele origin: germline.
Comment: NM_003560.4(PLA2G6):c.1511C>T (p.Ser504Leu) is a missense variant that results in the substitution of serine with leucine. The affected residue or protein region has prior evidence supporting clinical relevance. This variant has been reported in individuals with PLA2G6-related disorders (PMID: 29454663). Also, this variant is rare in population databases. Based on the currently available evidence, this variant is classified as likely pathogenic.

Women's Health and Genetics/Laboratory Corporation of America, LabCorp
Classification: Pathogenic for Neurodegeneration with brain iron accumulation. Last evaluated: 2025-07-18. Review status: criteria provided, single submitter. Criteria: LabCorp Variant Classification Summary - May 2015. Collection method: clinical testing. Allele origin: germline.
Comment: Variant summary: PLA2G6 c.1511C>T (p.Ser504Leu) results in a non-conservative amino acid change in the encoded protein sequence. Algorithms developed to predict the effect of missense changes on protein structure and function are either unavailable or do not agree on the potential impact of this missense change. The variant was absent in 158350 control chromosomes. c.1511C>T has been observed in the presumed or confirmed compound heterozygous state in multiple individuals affected with early onset parkinsonism (example, Chen_2018, Montaut_2018, Labcorp Genetics (formerly Invitae), Magrinelli_2022, Sun_2023). These data indicate that the variant is very likely to be associated with disease. To our knowledge, no experimental evidence demonstrating an impact on protein function has been reported. The following publications have been ascertained in the context of this evaluation (PMID: 29454663, 29913018, 34622992, 40335451, 26950094, 37198191). ClinVar contains an entry for this variant (Variation ID: 1722386). Based on the evidence outlined above, the variant was classified as pathogenic.

3billion
Classification: Likely pathogenic for Autosomal recessive Parkinson disease 14. Last evaluated: 2025-02-05. Review status: criteria provided, single submitter. Criteria: ACMG Guidelines, 2015. Collection method: clinical testing. Allele origin: germline. Affected: yes.
Comment: The variant is observed at an extremely low frequency in the gnomAD v4.1.0 dataset (total allele frequency: <0.001%). Predicted Consequence/Location: Missense variant In silico tool predictions suggest damaging effect of the variant on gene or gene product [3Cnet: 0.99 (>=0.6, sensitivity 0.72 and precision 0.9)]. The same nucleotide change resulting in the same amino acid change has been previously reported to be associated with PLA2G6-related disorder (ClinVar ID: VCV001722386 /PMID: 29454663). The variant has been reported to be in trans with a pathogenic variant as either compound heterozygous or homozygous in at least one similarly affected unrelated individual (PMID: 29454663). The variant has been reported to co-segregate with the disease in at least one similarly affected relative/individual in the same family or similarly affected unrelated family (PMID: 29454663). Therefore, this variant is classified as Likely pathogenic according to the recommendation of ACMG/AMP guideline.

Labcorp Genetics (formerly Invitae), Labcorp
Classification: Pathogenic for Infantile neuroaxonal dystrophy. Last evaluated: 2023-08-23. Review status: criteria provided, single submitter. Criteria: Invitae Variant Classification Sherloc (09022015). Collection method: clinical testing. Allele origin: germline.
Comment: For these reasons, this variant has been classified as Pathogenic. Advanced modeling of protein sequence and biophysical properties (such as structural, functional, and spatial information, amino acid conservation, physicochemical variation, residue mobility, and thermodynamic stability) performed at Invitae indicates that this missense variant is not expected to disrupt PLA2G6 protein function. ClinVar contains an entry for this variant (Variation ID: 1722386). This missense change has been observed in individual(s) with clinical features of PLA2G6-related conditions (PMID: 29454663; Invitae). In at least one individual the data is consistent with being in trans (on the opposite chromosome) from a pathogenic variant. It has also been observed to segregate with disease in related individuals. This variant is not present in population databases (gnomAD no frequency). This sequence change replaces serine, which is neutral and polar, with leucine, which is neutral and non-polar, at codon 504 of the PLA2G6 protein (p.Ser504Leu).

Literature cited by the submitters: PubMed 29454663 (cited by 4 submitters); PubMed 29913018 (cited by Dasa and Women's Health and Genetics/Laboratory Corporation of America, LabCorp); PubMed 34622992 (cited by Dasa and Women's Health and Genetics/Laboratory Corporation of America, LabCorp); PubMed 37198191 (cited by Women's Health and Genetics/Laboratory Corporation of America, LabCorp); PubMed 26950094 (cited by Women's Health and Genetics/Laboratory Corporation of America, LabCorp); PubMed 40335451 (cited by Women's Health and Genetics/Laboratory Corporation of America, LabCorp).

NM_003560.4(PLA2G6):c.1511C>T (p.Ser504Leu)

Gene: PLA2G6 (phospholipase A2 group VI; minus strand). Cytogenetic location: 22q13.1.
Variant type: single nucleotide variant.
Coding change: c.1511C>T on transcript NM_003560.4 (MANE Select); coding-DNA position 1511, C replaced by T.
Protein change: p.Ser504Leu; replaces serine 504 with leucine.
Molecular consequence: missense variant.
Genome position (GRCh38, 1-based): chr22:38,123,175, G>A on the plus strand (C>T on the coding strand, the complement: PLA2G6 is on the minus strand). VCF-style: chr22-38123175-G-A. GRCh37 (hg19) VCF-style: chr22-38519182-G-A.
Other names: c.1349C>T, p.Ser450Leu (NM_001004426.3, NM_001199562.3, NM_001349865.2 and 1 more transcripts); c.1511C>T, p.Ser504Leu (NM_001349864.2); c.977C>T, p.Ser326Leu (NM_001349867.2); c.833C>T, p.Ser278Leu (NM_001349868.2); c.815C>T, p.Ser272Leu (NM_001349869.2); short protein forms S272L, S278L, S326L, S450L, S504L.
Identifiers: ClinVar variation 1722386 (VCV001722386.10), dbSNP rs2087622708, ClinGen allele CA411527930.
Genomic context (GRCh38, chr22:38,123,175, plus strand): 5'-AGGATGCCTCCAGTGCTGGTGCCCGCCACCCAGTCAAACAGGTCCTTGGTGGCCACACCC[G>A]AGGCCTTCTCGATGGCGATGAGGAGCTGGATGATGATGAGGCCTTTCACTCCTCCTCCAT-3'
Protein context (NP_003551.2, residues 494-514): IQLLIAIEKA[Ser504Leu]GVATKDLFDW